The following is an entry in ClinVar:

ClinVar aggregate classification (germline): Uncertain significance. Review status: criteria provided, multiple submitters, no conflicts (2 of 4 stars). 4 submissions from 4 submitters: Uncertain significance (4). Last evaluated 2026-03-19.

Conditions:
Developmental disorder. Identifiers: MedGen C0008073.
Complex cortical dysplasia with other brain malformations 2. Identifiers: MedGen C3809013, MONDO:0014116, OMIM 615282.

Submissions (4):

Victorian Clinical Genetics Services, Murdoch Childrens Research Institute
Classification: Uncertain significance for Complex cortical dysplasia with other brain malformations 2. Last evaluated: 2026-03-19. Review status: criteria provided, single submitter. Criteria: ACMG Guidelines, 2015. Collection method: clinical testing. Allele origin: germline. Affected: yes.
Comment: This variant is classified as VUS-3A. Evidence in support of pathogenic classification: Variant is absent from gnomAD (v2, v3 and v4); Missense variant predicted to be damaging by in silico tool(s) or highly conserved with a major amino acid change. Additional information: Variant is predicted to result in a missense amino acid change from Arg to Trp; This variant is heterozygous; This gene is associated with autosomal dominant disease; Previous evidence of pathogenicity for this variant is inconclusive. This variant has been classified as a VUS by clinical laboratories in ClinVar, and has been reported in the literature as de novo in a large neurodevelopmental disorder cohort study (PMID: 35468861); No published evidence of segregation with disease has been identified for this variant; No comparable missense variants have previous evidence for pathogenicity; Variant is located in the annotated kinesin domain (DECIPHER); The mechanism of disease for this gene is not clearly established. Dominant negative and loss of function have been suggested (PMIDs: 24812067, 39503049); Variants in this gene are known to have variable expressivity (OMIM; PMID: 39503049); Inheritance information for this variant is not currently available in this individual.

Laboratory of Genetics, Children's Clinical University Hospital Latvia
Classification: Uncertain significance. Last evaluated: 2025-02-16. Review status: criteria provided, single submitter. Criteria: ACMG Guidelines, 2015. Collection method: clinical testing. Allele origin: germline. Affected: yes.

Blueprint Genetics
Classification: Uncertain significance. Last evaluated: 2022-03-18. Review status: criteria provided, single submitter. Criteria: ACMG Guidelines, 2015. Collection method: clinical testing. Allele origin: germline.

Department of Genetics, Rouen University Hospital, Normandy Center for Genomic and Personalized Medicine
Classification: Uncertain significance for Developmental disorder. Last evaluated: 2021-01-06. Review status: criteria provided, single submitter. Criteria: ACMG Guidelines, 2015. Collection method: clinical testing. Allele origin: unknown. Affected: yes.

Literature cited by the submitters: PubMed 39503049 (cited by Victorian Clinical Genetics Services, Murdoch Childrens Research Institute); PubMed 24812067 (cited by Victorian Clinical Genetics Services, Murdoch Childrens Research Institute); PubMed 35468861 (cited by Victorian Clinical Genetics Services, Murdoch Childrens Research Institute).

NM_004522.3(KIF5C):c.856C>T (p.Arg286Trp)

Gene: KIF5C (kinesin family member 5C; plus strand). Cytogenetic location: 2q23.1.
Variant type: single nucleotide variant.
Coding change: c.856C>T on transcript NM_004522.3 (MANE Select); coding-DNA position 856, C replaced by T.
Protein change: p.Arg286Trp; replaces arginine 286 with tryptophan.
Molecular consequence: missense variant. On other transcripts: non-coding transcript variant (1).
Genome position (GRCh38, 1-based): chr2:148,950,350, C>T. VCF-style: chr2-148950350-C-T. GRCh37 (hg19) VCF-style: chr2-149806864-C-T.
Other names: short protein forms R286W.
Identifiers: ClinVar variation 2429868 (VCV002429868.6), dbSNP rs2468228826, ClinGen allele CA348734429.
Genomic context (GRCh38, chr2:148,950,350, plus strand): 5'-AATACTTTTTCTTTTCCTAAATAGAAAACACATGTGCCATACCGGGACAGCAAGATGACT[C>T]GGATTCTTCAGGACTCTTTGGGTGGGAACTGCAGAACCACCATCGTCATTTGCTGTTCTC-3'
Protein context (NP_004513.1, residues 276-296): HVPYRDSKMT[Arg286Trp]ILQDSLGGNC